The following is an entry in ClinVar:

NM_000051.4(ATM):c.138T>C (p.His46=)

Gene: ATM (ATM serine/threonine kinase; plus strand). Cytogenetic location: 11q22.3.
Variant type: single nucleotide variant.
Coding change: c.138T>C on transcript NM_000051.4 (MANE Select); coding-DNA position 138, T replaced by C.
Protein change: p.His46=; no amino-acid change (histidine 46 retained).
Molecular consequence: synonymous variant.
Genome position (GRCh38, 1-based): chr11:108,227,841, T>C. VCF-style: chr11-108227841-T-C. GRCh37 (hg19) VCF-style: chr11-108098568-T-C.
Other names: c.138T>C, p.His46= (NM_001351834.2, NM_001351835.2, NM_001351836.2).
Identifiers: ClinVar variation 220631 (VCV000220631.22), dbSNP rs770834907, ClinGen allele CA349938.

ClinVar aggregate classification (germline): Benign/Likely benign. Review status: criteria provided, multiple submitters, no conflicts (2 of 4 stars). 6 submissions from 6 submitters: Benign (1); Likely benign (5). Last evaluated 2026-01-28.

Conditions:
Hereditary cancer-predisposing syndrome. Also called: Tumor predisposition; Hereditary neoplastic syndrome; Neoplastic Syndromes, Hereditary; Hereditary Cancer Syndrome. Identifiers: Orphanet 140162, MedGen C0027672, MeSH D009386, MONDO:0015356.
Familial cancer of breast. Also called: hereditary breast carcinoma; Hereditary breast cancer; BREAST CANCER, FAMILIAL. Identifiers: Orphanet 227535, MedGen C0346153, MONDO:0016419, OMIM 114480. Disease mechanism: loss of function.
Ataxia-telangiectasia syndrome (AT). Also called: Ataxia-telangiectasia, complementation group E; AT, COMPLEMENTATION GROUP C; ATAXIA-TELANGIECTASIA, COMPLEMENTATION GROUP A; ATAXIA-TELANGIECTASIA, FRESNO VARIANT; Ataxia-telangiectasia; LOUIS-BAR SYNDROME. Identifiers: Orphanet 100, MedGen C0004135, MONDO:0008840, OMIM 208900.

Allele frequency attached by ClinVar (database versions not stated): gnomAD exomes below 0.00001 and 0.00001; ExAC 0.00001; gnomAD 0.00001; TOPMed 0.00001.
gnomAD v4.1: 18 of 1,613,446 alleles (0.0011%); highest among the groups gnomAD compares: Non-Finnish European, 0.0015%; no homozygotes.

Submissions (6):

Labcorp Genetics (formerly Invitae), Labcorp
Classification: Likely benign for Ataxia-telangiectasia syndrome. Last evaluated: 2026-01-28. Review status: criteria provided, single submitter. Criteria: Invitae Variant Classification Sherloc (09022015). Collection method: clinical testing. Allele origin: germline.

Myriad Genetics, Inc.
Classification: Benign for Familial cancer of breast. Last evaluated: 2024-04-17. Review status: criteria provided, single submitter. Criteria: Myriad Autosomal Dominant, Autosomal Recessive and X-Linked Classification Criteria (2023). Collection method: clinical testing. Allele origin: unknown.
Comment: This variant is considered benign. This variant is a silent/synonymous amino acid change and it is not expected to impact splicing.

GeneDx
Classification: Likely benign. Last evaluated: 2021-06-07. Review status: criteria provided, single submitter. Criteria: GeneDx Variant Classification Process June 2021. Collection method: clinical testing. Allele origin: germline. Affected: yes.

Women's Health and Genetics/Laboratory Corporation of America, LabCorp
Classification: Likely benign. Last evaluated: 2019-08-21. Review status: criteria provided, single submitter. Criteria: LabCorp Variant Classification Summary - May 2015. Collection method: clinical testing. Allele origin: germline.

Ambry Genetics
Classification: Likely benign for Hereditary cancer-predisposing syndrome. Last evaluated: 2016-07-12. Review status: criteria provided, single submitter. Criteria: Ambry Variant Classification Scheme 2023. Collection method: clinical testing. Allele origin: germline.

Color Diagnostics, LLC DBA Color Health
Classification: Likely benign for Hereditary cancer-predisposing syndrome. Last evaluated: 2016-04-22. Review status: criteria provided, single submitter. Criteria: ACMG Guidelines, 2015. Collection method: clinical testing. Allele origin: germline.